The following is an entry in ClinVar:

ClinVar aggregate classification (germline): Benign (1 of 4 stars; one submission).

Allele frequency attached by ClinVar (database versions not stated): TOPMed 0.07036; 1000 Genomes Project 0.08247; 1000 Genomes Project 30x 0.08417.
gnomAD v4.1: 9,554 of 152,184 alleles (6.3%); highest among the groups gnomAD compares: African/African-American, 15%; 566 homozygotes.

Submission:

GeneDx
Classification: Benign. Last evaluated: 2018-06-14. Review status: criteria provided, single submitter. Criteria: GeneDx Variant Classification (06012015). Collection method: clinical testing. Allele origin: germline. Affected: yes.
Comment: This variant is considered likely benign or benign based on one or more of the following criteria: it is a conservative change, it occurs at a poorly conserved position in the protein, it is predicted to be benign by multiple in silico algorithms, and/or has population frequency not consistent with disease.

NM_001258392.3(CLPB):c.456-4751G>C

Gene: CLPB (ClpB family mitochondrial disaggregase; minus strand). Cytogenetic location: 11q13.4.
Variant type: single nucleotide variant.
Coding change: c.456-4751G>C on transcript NM_001258392.3 (MANE Select); 4751 bases into the intron before coding-DNA position 456, G replaced by C.
Molecular consequence: intron variant.
Genome position (GRCh38, 1-based): chr11:72,407,803, C>G on the plus strand (G>C on the coding strand, the complement: CLPB is on the minus strand). VCF-style: chr11-72407803-C-G. GRCh37 (hg19) VCF-style: chr11-72118847-C-G.
Other names: c.455+22509G>C (NM_001258393.3); c.456-4751G>C (NM_030813.6); c.320+295G>C (NM_001258394.3).
Identifiers: ClinVar variation 683860 (VCV000683860.1), dbSNP rs7947973, ClinGen allele CA224501428.